The following is an entry in ClinVar:

ClinVar aggregate classification (germline): Uncertain significance. Review status: criteria provided, multiple submitters, no conflicts (2 of 4 stars). 3 submissions from 3 submitters: Uncertain significance (3). Last evaluated 2024-12-16.

Conditions:
Inborn genetic diseases. Identifiers: MedGen C0950123, MeSH D030342.
Brunner syndrome (BRNRS). Identifiers: Orphanet 3057, MedGen C0796275, MONDO:0010379, OMIM 300615.

Allele frequency attached by ClinVar (database versions not stated): ExAC 0.00005; gnomAD 0.00005 and 0.00006; gnomAD exomes 0.00005 and 0.00018; TOPMed 0.00009.
gnomAD v4.1: 203 of 1,206,525 alleles (0.017%); highest among the groups gnomAD compares: Non-Finnish European, 0.022%; no homozygotes.

Submissions (3):

Labcorp Genetics (formerly Invitae), Labcorp
Classification: Uncertain significance for Brunner syndrome. Last evaluated: 2024-12-16. Review status: criteria provided, single submitter. Criteria: Invitae Variant Classification Sherloc (09022015). Collection method: clinical testing. Allele origin: germline.
Comment: This sequence change replaces aspartic acid, which is acidic and polar, with glycine, which is neutral and non-polar, at codon 46 of the MAOA protein (p.Asp46Gly). This variant is present in population databases (rs201519600, gnomAD 0.01%). This variant has not been reported in the literature in individuals affected with MAOA-related conditions. ClinVar contains an entry for this variant (Variation ID: 225101). Invitae Evidence Modeling of protein sequence and biophysical properties (such as structural, functional, and spatial information, amino acid conservation, physicochemical variation, residue mobility, and thermodynamic stability) indicates that this missense variant is not expected to disrupt MAOA protein function with a negative predictive value of 80%. In summary, the available evidence is currently insufficient to determine the role of this variant in disease. Therefore, it has been classified as a Variant of Uncertain Significance.

CeGaT Center for Human Genetics Tuebingen
Classification: Uncertain significance. Last evaluated: 2017-05-31. Review status: criteria provided, single submitter. Criteria: Praxis fuer Humangenetik Tuebingen - Variant Classification Criteria. Collection method: clinical testing. Allele origin: germline. Affected: yes. Observed: 1 variant allele.

Ambry Genetics
Classification: Uncertain significance for Inborn genetic diseases. Last evaluated: 2014-10-08. Review status: criteria provided, single submitter. Criteria: Ambry Variant Classification Scheme 2023. Collection method: clinical testing. Allele origin: germline.
Comment: The c.137A>G (p.D46G) alteration is located in exon 2 (coding exon 2) of the MAOA gene. This alteration results from a A to G substitution at nucleotide position 137, causing the aspartic acid (D) at amino acid position 46 to be replaced by a glycine (G). The heterozygous missense change is ultra rare in healthy individuals:_x000D_ Based on data from the NHLBI Exome Sequencing Project (ESP), the MAOA c.137A>G alteration was not observed among 6,503 individuals tested. Allele frequency data for this nucleotide position are not currently available from the 1000 Genomes Project. This variant is reported in the SNPDatabase as rs201519600. The altered amino acid is conserved throughout evolution:_x000D_ The p.D46 amino acid is well conserved in available vertebrate species. The amino acid is located in a functionally important protein domain:_x000D_ The p.D46G amino acid is located within the FAD-binding domain of the MAOA protein (Colibus, 2005). In silico prediction is conflicting:_x000D_ The p.D46G alteration is predicted to be possibly damaging by Polyphen and tolerated by SIFT in silico analyses. Based on insufficient or conflicting evidence, the clinical significance of this alteration remains unclear.

NM_000240.4(MAOA):c.137A>G (p.Asp46Gly)

Gene: MAOA (monoamine oxidase A; plus strand). Cytogenetic location: Xp11.3.
Variant type: single nucleotide variant.
Coding change: c.137A>G on transcript NM_000240.4 (MANE Select); coding-DNA position 137, A replaced by G.
Protein change: p.Asp46Gly; replaces aspartic acid 46 with glycine.
Molecular consequence: missense variant. On other transcripts: 5 prime UTR variant (1).
Genome position (GRCh38, 1-based): chrX:43,683,576, A>G. VCF-style: chrX-43683576-A-G. GRCh37 (hg19) VCF-style: chrX-43542824-A-G.
Other names: c.-263A>G (NM_001270458.2); short protein forms D46G.
Identifiers: ClinVar variation 225101 (VCV000225101.9), dbSNP rs201519600, ClinGen allele CA358062.